The following is an entry in ClinVar:

ClinVar aggregate classification (germline): Uncertain significance (1 of 4 stars; one submission).

Conditions:
X-linked immunodeficiency with magnesium defect, Epstein-Barr virus infection and neoplasia. Identifiers: Orphanet 317476, MedGen C3275445, MONDO:0010455, OMIM 300853.

Submission:

Labcorp Genetics (formerly Invitae), Labcorp
Classification: Uncertain significance for X-linked immunodeficiency with magnesium defect, Epstein-Barr virus infection and neoplasia. Last evaluated: 2026-01-06. Review status: criteria provided, single submitter. Criteria: Invitae Variant Classification Sherloc (09022015). Collection method: clinical testing. Allele origin: germline.
Comment: This sequence change replaces isoleucine, which is neutral and non-polar, with phenylalanine, which is neutral and non-polar, at codon 8 of the MAGT1 protein (p.Ile8Phe). This variant is present in population databases (no rsID available, gnomAD 0.004%), including at least one homozygous and/or hemizygous individual. This variant has not been reported in the literature in individuals affected with MAGT1-related conditions. ClinVar contains an entry for this variant (Variation ID: 3626816). An algorithm developed to predict the effect of missense changes on protein structure and function (PolyPhen-2) suggests that this variant is likely to be tolerated. In summary, the available evidence is currently insufficient to determine the role of this variant in disease. Therefore, it has been classified as a Variant of Uncertain Significance.

NM_032121.5(MAGT1):c.22A>T (p.Ile8Phe)

Gene: MAGT1 (magnesium transporter 1; minus strand). Cytogenetic location: Xq21.1.
Variant type: single nucleotide variant.
Coding change: c.22A>T on transcript NM_032121.5; coding-DNA position 22, A replaced by T.
Protein change: p.Ile8Phe; replaces isoleucine 8 with phenylalanine.
Molecular consequence: missense variant.
Genome position (GRCh38, 1-based): chrX:77,895,485, T>A on the plus strand (A>T on the coding strand, the complement: MAGT1 is on the minus strand). VCF-style: chrX-77895485-T-A. GRCh37 (hg19) VCF-style: chrX-77150982-T-A.
Other names: short protein forms I8F.
Identifiers: ClinVar variation 3626816 (VCV003626816.2).